The following is an entry in ClinVar:

ClinVar aggregate classification (germline): Uncertain significance (1 of 4 stars; one submission).

Conditions:
Cardiovascular phenotype. Identifiers: MedGen CN230736.

gnomAD v4.1: 9 of 1,608,314 alleles (0.00056%); highest among the groups gnomAD compares: South Asian, 0.0011%; 1 homozygote.

Submission:

Ambry Genetics
Classification: Uncertain significance for Cardiovascular phenotype. Last evaluated: 2025-04-13. Review status: criteria provided, single submitter. Criteria: Ambry Variant Classification Scheme 2023. Collection method: clinical testing. Allele origin: germline.
Comment: The p.T68M variant (also known as c.203C>T), located in coding exon 3 of the TRPM4 gene, results from a C to T substitution at nucleotide position 203. The threonine at codon 68 is replaced by methionine, an amino acid with similar properties. This amino acid position is conserved. In addition, this alteration is predicted to be tolerated by in silico analysis. Based on the available evidence, the clinical significance of this variant remains unclear.

NM_017636.4(TRPM4):c.203C>T (p.Thr68Met)

Gene: TRPM4 (transient receptor potential cation channel subfamily M member 4; plus strand). Cytogenetic location: 19q13.33.
Variant type: single nucleotide variant.
Coding change: c.203C>T on transcript NM_017636.4 (MANE Select); coding-DNA position 203, C replaced by T.
Protein change: p.Thr68Met; replaces threonine 68 with methionine.
Molecular consequence: missense variant. On other transcripts: 5 prime UTR variant (1), intron variant (2).
Genome position (GRCh38, 1-based): chr19:49,166,151, C>T. VCF-style: chr19-49166151-C-T. GRCh37 (hg19) VCF-style: chr19-49669408-C-T.
Other names: c.203C>T, p.Thr68Met (NM_001195227.2, NM_001321281.2); c.-1170C>T (NM_001321282.2); c.-74-2109C>T (NM_001321283.2); c.-237-2402C>T (NM_001321285.2); short protein forms T68M.
Identifiers: ClinVar variation 3974268 (VCV003974268.1).